The following is an entry in ClinVar:

NM_004519.4(KCNQ3):c.1169C>T (p.Pro390Leu)

Gene: KCNQ3 (potassium voltage-gated channel subfamily Q member 3; minus strand). Cytogenetic location: 8q24.22.
Variant type: single nucleotide variant.
Coding change: c.1169C>T on transcript NM_004519.4 (MANE Select); coding-DNA position 1169, C replaced by T.
Protein change: p.Pro390Leu; replaces proline 390 with leucine.
Molecular consequence: missense variant.
Genome position (GRCh38, 1-based): chr8:132,170,400, G>A on the plus strand (C>T on the coding strand, the complement: KCNQ3 is on the minus strand). VCF-style: chr8-132170400-G-A. GRCh37 (hg19) VCF-style: chr8-133182647-G-A.
Other names: c.809C>T, p.Pro270Leu (NM_001204824.2); c.1169C>T (NM_004519.3); short protein forms P390L, P270L.
Identifiers: ClinVar variation 2150061 (VCV002150061.6), dbSNP rs2536933472, ClinGen allele CA372289730.

ClinVar aggregate classification (germline): Uncertain significance. Review status: criteria provided, multiple submitters, no conflicts (2 of 4 stars). 3 submissions from 3 submitters: Uncertain significance (3). Last evaluated 2025-03-22.

Conditions:
Inborn genetic diseases. Identifiers: MedGen C0950123, MeSH D030342.
Benign neonatal seizures. Also called: Benign familial neonatal epilepsy; Benign familial neonatal seizures; Convulsions benign familial neonatal dominant form; Autosomal dominant form of benign neonatal seizures; Benign neonatal familial convulsions. Identifiers: Orphanet 1949, MedGen C0220669, MONDO:0016027.

Submissions (3):

Ambry Genetics
Classification: Uncertain significance for Inborn genetic diseases. Last evaluated: 2025-03-22. Review status: criteria provided, single submitter. Criteria: Ambry Variant Classification Scheme 2023. Collection method: clinical testing. Allele origin: germline.

GeneDx
Classification: Uncertain significance. Last evaluated: 2023-03-13. Review status: criteria provided, single submitter. Criteria: GeneDx Variant Classification Process June 2021. Collection method: clinical testing. Allele origin: germline. Affected: yes.
Comment: Not observed at significant frequency in large population cohorts (gnomAD); In silico analysis supports that this missense variant does not alter protein structure/function; Has not been previously published as pathogenic or benign to our knowledge

Labcorp Genetics (formerly Invitae), Labcorp
Classification: Uncertain significance for Benign neonatal seizures. Last evaluated: 2022-12-27. Review status: criteria provided, single submitter. Criteria: Invitae Variant Classification Sherloc (09022015). Collection method: clinical testing. Allele origin: germline.
Comment: In summary, the available evidence is currently insufficient to determine the role of this variant in disease. Therefore, it has been classified as a Variant of Uncertain Significance. Advanced modeling of protein sequence and biophysical properties (such as structural, functional, and spatial information, amino acid conservation, physicochemical variation, residue mobility, and thermodynamic stability) performed at Invitae indicates that this missense variant is not expected to disrupt KCNQ3 protein function. This variant has not been reported in the literature in individuals affected with KCNQ3-related conditions. This variant is not present in population databases (gnomAD no frequency). This sequence change replaces proline, which is neutral and non-polar, with leucine, which is neutral and non-polar, at codon 390 of the KCNQ3 protein (p.Pro390Leu).